The following is an entry in ClinVar:

ClinVar aggregate classification (germline): Uncertain significance (1 of 4 stars; one submission).

gnomAD v4.1: 1 of 1,614,196 alleles (0.000062%); highest among the groups gnomAD compares: Admixed American, 0.0017%; no homozygotes.

Submission:

GeneDx
Classification: Uncertain significance. Last evaluated: 2023-05-22. Review status: criteria provided, single submitter. Criteria: GeneDx Variant Classification Process June 2021. Collection method: clinical testing. Allele origin: germline. Affected: yes.
Comment: Not observed at significant frequency in large population cohorts (gnomAD); In silico analysis supports that this missense variant does not alter protein structure/function; Has not been previously published as pathogenic or benign to our knowledge

NM_000069.3(CACNA1S):c.1479G>A (p.Met493Ile)

Gene: CACNA1S (calcium voltage-gated channel subunit alpha1 S; minus strand). Cytogenetic location: 1q32.1.
Variant type: single nucleotide variant.
Coding change: c.1479G>A on transcript NM_000069.3 (MANE Select); coding-DNA position 1479, G replaced by A.
Protein change: p.Met493Ile; replaces methionine 493 with isoleucine.
Molecular consequence: missense variant.
Genome position (GRCh38, 1-based): chr1:201,078,019, C>T on the plus strand (G>A on the coding strand, the complement: CACNA1S is on the minus strand). VCF-style: chr1-201078019-C-T. GRCh37 (hg19) VCF-style: chr1-201047147-C-T.
Other names: short protein forms M493I.
Identifiers: ClinVar variation 3343707 (VCV003343707.1).